The following is an entry in ClinVar:

NM_006164.5(NFE2L2):c.750T>A (p.Phe250Leu)

Gene: NFE2L2 (NFE2 like bZIP transcription factor 2; minus strand). Cytogenetic location: 2q31.2.
Variant type: single nucleotide variant.
Coding change: c.750T>A on transcript NM_006164.5 (MANE Select); coding-DNA position 750, T replaced by A.
Protein change: p.Phe250Leu; replaces phenylalanine 250 with leucine.
Molecular consequence: missense variant.
Genome position (GRCh38, 1-based): chr2:177,231,853, A>T on the plus strand (T>A on the coding strand, the complement: NFE2L2 is on the minus strand). VCF-style: chr2-177231853-A-T. GRCh37 (hg19) VCF-style: chr2-178096581-A-T.
Other names: c.702T>A, p.Phe234Leu (NM_001145412.3, NM_001313900.1, NM_001313901.1); c.681T>A, p.Phe227Leu (NM_001145413.3); c.660T>A, p.Phe220Leu (NM_001313902.2); c.531T>A, p.Phe177Leu (NM_001313903.2); c.450T>A, p.Phe150Leu (NM_001313904.1); short protein forms F220L, F250L, F177L, F234L, F150L, F227L.
Identifiers: ClinVar variation 4699235 (VCV004699235.1).
Genomic context (GRCh38, chr2:177,231,853, plus strand): 5'-TGAGTTCACTGTCAACTGGTTGGGGTCTTCTGTGGAGAGGATGCTGCTGAAGGAATCCTC[A>T]AAAGCATTAAGAAAATGTGGACTACAGTTACCTACTTCTTTTTCCATTGAGGGTATAGAT-3'
Protein context (NP_006155.2, residues 240-260): GNCSPHFLNA[Phe250Leu]EDSFSSILST

ClinVar aggregate classification (germline): Uncertain significance (1 of 4 stars; one submission).

gnomAD v4.1: 6 of 1,614,232 alleles (0.00037%); highest among the groups gnomAD compares: Admixed American, 0.0033%; no homozygotes.

Submission:

Labcorp Genetics (formerly Invitae), Labcorp
Classification: Uncertain significance. Last evaluated: 2025-03-06. Review status: criteria provided, single submitter. Criteria: Invitae Variant Classification Sherloc (09022015). Collection method: clinical testing. Allele origin: germline.
Comment: This sequence change replaces phenylalanine, which is neutral and non-polar, with leucine, which is neutral and non-polar, at codon 250 of the NFE2L2 protein (p.Phe250Leu). This variant is present in population databases (rs774652591, gnomAD 0.009%). This variant has not been reported in the literature in individuals affected with NFE2L2-related conditions. Invitae Evidence Modeling of protein sequence and biophysical properties (such as structural, functional, and spatial information, amino acid conservation, physicochemical variation, residue mobility, and thermodynamic stability) indicates that this missense variant is not expected to disrupt NFE2L2 protein function with a negative predictive value of 80%. In summary, the available evidence is currently insufficient to determine the role of this variant in disease. Therefore, it has been classified as a Variant of Uncertain Significance.